The following is an entry in ClinVar:

ClinVar aggregate classification (germline): Conflicting classifications of pathogenicity. Review status: criteria provided, conflicting classifications (1 of 4 stars). 8 submissions from 6 submitters: Uncertain significance (5); Likely benign (2). 1 of the submissions does not count toward it. Last evaluated 2024-02-23.

Conditions:
Acute febrile neutrophilic dermatosis (AFND). Also called: Sweet Syndrome; Gomm Button disease. Identifiers: Orphanet 3243, MedGen C0085077, MONDO:0011959, OMIM 608068.
Familial Mediterranean fever (FMF). Also called: POLYSEROSITIS, FAMILIAL PAROXYSMAL; POLYSEROSITIS, RECURRENT; Periodic peritonitis; Benign paroxysmal peritonitis. Identifiers: Orphanet 342, MedGen C0031069, MONDO:0018088, OMIM 249100. Disease mechanism: gain of function.
Familial Mediterranean fever, autosomal dominant. Also called: Dominant Familial Mediterranean Fever; FMF, AUTOSOMAL DOMINANT. Identifiers: Orphanet 342, MedGen C1851347, MONDO:0007601, OMIM 134610.
MEFV-related disorder. Also called: MEFV-related disorders; MEFV-related condition.

Submissions (8):

Fulgent Genetics
Classification: Uncertain significance for Familial Mediterranean fever, autosomal dominant; Familial Mediterranean fever; Acute febrile neutrophilic dermatosis. Last evaluated: 2024-02-23. Review status: criteria provided, single submitter. Criteria: ACMG Guidelines, 2015. Collection method: clinical testing. Allele origin: germline.

PreventionGenetics, part of Exact Sciences
Classification: Uncertain significance for MEFV-related condition. Last evaluated: 2023-04-05. Review status: criteria provided, single submitter. Criteria: ACMG Guidelines, 2015. Collection method: clinical testing. Allele origin: germline.
Comment: The MEFV c.565_570dup6 variant is predicted to result in an in-frame duplication (p.Gly189_Pro190dup). To our knowledge, this variant has not been reported in the literature. This variant is reported in 0.048% of alleles in individuals of African descent in gnomAD. At this time, the clinical significance of this variant is uncertain due to the absence of conclusive functional and genetic evidence.

Genome-Nilou Lab
Classification: Uncertain significance for Familial Mediterranean fever. Last evaluated: 2023-02-08. Review status: criteria provided, single submitter. Criteria: ACMG Guidelines, 2015. Collection method: clinical testing. Allele origin: germline.

Genome-Nilou Lab
Classification: Likely benign for Familial Mediterranean fever, autosomal dominant. Last evaluated: 2023-02-08. Review status: criteria provided, single submitter. Criteria: ACMG Guidelines, 2015. Collection method: clinical testing. Allele origin: germline.

Genome-Nilou Lab
Classification: Likely benign for Acute febrile neutrophilic dermatosis. Last evaluated: 2023-02-08. Review status: criteria provided, single submitter. Criteria: ACMG Guidelines, 2015. Collection method: clinical testing. Allele origin: germline.

Labcorp Genetics (formerly Invitae), Labcorp
Classification: Uncertain significance for Familial Mediterranean fever. Last evaluated: 2022-07-19. Review status: criteria provided, single submitter. Criteria: Invitae Variant Classification Sherloc (09022015). Collection method: clinical testing. Allele origin: germline.
Comment: This variant, c.565_570dup, results in the insertion of 2 amino acid(s) of the MEFV protein (p.Gly189_Pro190dup), but otherwise preserves the integrity of the reading frame. This variant is present in population databases (rs761993422, gnomAD 0.05%). This variant has not been reported in the literature in individuals affected with MEFV-related conditions. ClinVar contains an entry for this variant (Variation ID: 965372). Experimental studies and prediction algorithms are not available or were not evaluated, and the functional significance of this variant is currently unknown. In summary, the available evidence is currently insufficient to determine the role of this variant in disease. Therefore, it has been classified as a Variant of Uncertain Significance.

GeneDx
Classification: Uncertain significance. Last evaluated: 2022-01-14. Review status: criteria provided, single submitter. Criteria: GeneDx Variant Classification Process June 2021. Collection method: clinical testing. Allele origin: germline. Affected: yes.
Comment: In-frame duplication of 2 amino acids in a non-repeat region; Has not been previously published as pathogenic or benign to our knowledge

Natera, Inc.
Classification: Uncertain significance for Familial Mediterranean fever. Last evaluated: 2019-11-11. Review status: no assertion criteria provided. Collection method: clinical testing. Allele origin: germline. Not counted in ClinVar's aggregate classification.

NM_000243.3(MEFV):c.565_570dup (p.Gly189_Pro190dup)

Gene: MEFV (MEFV innate immunity regulator, pyrin; minus strand). Cytogenetic location: 16p13.3.
Variant type: Duplication.
Coding change: c.565_570dup on transcript NM_000243.3 (MANE Select); coding-DNA positions 565 to 570, 6 bases duplicated (GGCCCC; older notation c.565_570dupGGCCCC).
Protein change: p.Gly189_Pro190dup.
Molecular consequence: inframe insertion. On other transcripts: intron variant (1).
Genome position (GRCh38, 1-based): chr16:3,254,498-3,254,503, GGGGCC duplicated on the plus strand (GGCCCC on the coding strand, the reverse complement: MEFV is on the minus strand); duplicating any 6 consecutive bases within chr16:3,254,498-3,254,508 gives the same sequence; the c. name uses the placement nearest the transcript's 3' end. VCF-style (leftmost placement, unchanged base first): chr16-3254497-A-AGGGGCC. GRCh37 (hg19) VCF-style: chr16-3304497-A-AGGGGCC.
Other names: c.277+1808_277+1813dup (NM_001198536.2); c.565_570dup6 (NM_000243.2).
Identifiers: ClinVar variation 965372 (VCV000965372.15), dbSNP rs761993422, ClinGen allele CA7860394.